The following is an entry in ClinVar:

ClinVar aggregate classification (germline): Uncertain significance (1 of 4 stars; one submission).

Submission:

GeneDx
Classification: Uncertain significance. Last evaluated: 2025-08-15. Review status: criteria provided, single submitter. Criteria: GeneDx Variant Classification Process June 2021. Collection method: clinical testing. Allele origin: germline. Affected: yes.
Comment: Not observed at significant frequency in large population cohorts (gnomAD); In silico analysis supports that this missense variant has a deleterious effect on protein structure/function; Has not been previously published as pathogenic or benign to our knowledge

NM_170606.3(KMT2C):c.12689G>T (p.Arg4230Met)

Gene: KMT2C (lysine methyltransferase 2C; minus strand). Cytogenetic location: 7q36.1.
Variant type: single nucleotide variant.
Coding change: c.12689G>T on transcript NM_170606.3 (MANE Select); coding-DNA position 12689, G replaced by T.
Protein change: p.Arg4230Met; replaces arginine 4230 with methionine.
Molecular consequence: missense variant.
Genome position (GRCh38, 1-based): chr7:152,150,985, C>A on the plus strand (G>T on the coding strand, the complement: KMT2C is on the minus strand). VCF-style: chr7-152150985-C-A. GRCh37 (hg19) VCF-style: chr7-151848070-C-A.
Other names: short protein forms R4230M.
Identifiers: ClinVar variation 4795352 (VCV004795352.1).